The following is an entry in ClinVar:

NM_000374.5(UROD):c.992A>G (p.His331Arg)

Gene: UROD (uroporphyrinogen decarboxylase; plus strand). Cytogenetic location: 1p34.1.
Variant type: single nucleotide variant.
Coding change: c.992A>G on transcript NM_000374.5 (MANE Select); coding-DNA position 992, A replaced by G.
Protein change: p.His331Arg; replaces histidine 331 with arginine.
Molecular consequence: missense variant. On other transcripts: non-coding transcript variant (3).
Genome position (GRCh38, 1-based): chr1:45,015,386, A>G. VCF-style: chr1-45015386-A-G. GRCh37 (hg19) VCF-style: chr1-45481058-A-G.
Other names: short protein forms H331R.
Identifiers: ClinVar variation 3021133 (VCV003021133.3), dbSNP rs764676360, ClinGen allele CA825405.

ClinVar aggregate classification (germline): Uncertain significance (1 of 4 stars; one submission).

Allele frequency attached by ClinVar (database versions not stated): ExAC 0.00001; gnomAD 0.00001; TOPMed 0.00002.
gnomAD v4.1: 47 of 1,614,116 alleles (0.0029%); highest among the groups gnomAD compares: Non-Finnish European, 0.0039%; no homozygotes.

Submission:

Labcorp Genetics (formerly Invitae), Labcorp
Classification: Uncertain significance. Last evaluated: 2023-08-04. Review status: criteria provided, single submitter. Criteria: Invitae Variant Classification Sherloc (09022015). Collection method: clinical testing. Allele origin: germline.
Comment: This sequence change replaces histidine, which is basic and polar, with arginine, which is basic and polar, at codon 331 of the UROD protein (p.His331Arg). This variant is present in population databases (rs764676360, gnomAD 0.003%). This missense change has been observed in individual(s) with clinical features of porphyria (Invitae). Advanced modeling of protein sequence and biophysical properties (such as structural, functional, and spatial information, amino acid conservation, physicochemical variation, residue mobility, and thermodynamic stability) performed at Invitae indicates that this missense variant is not expected to disrupt UROD protein function. In summary, the available evidence is currently insufficient to determine the role of this variant in disease. Therefore, it has been classified as a Variant of Uncertain Significance.